The following is an entry in ClinVar:

ClinVar aggregate classification (germline): Uncertain significance. Review status: criteria provided, multiple submitters, no conflicts (2 of 4 stars). 6 submissions from 6 submitters: Uncertain significance (5). 1 of the submissions does not count toward it. Last evaluated 2025-08-24.

Conditions:
Inborn genetic diseases. Identifiers: MedGen C0950123, MeSH D030342.
Usher syndrome type 1 (USH1). Also called: RETINITIS PIGMENTOSA AND CONGENITAL DEAFNESS. Identifiers: Orphanet 231169, Orphanet 886, MedGen C1568247, MONDO:0010168, OMIM 276900.

Allele frequency attached by ClinVar (database versions not stated): ESP Exome Variant Server 0.00008; gnomAD 0.00010 and 0.00011; TOPMed 0.00010; gnomAD exomes 0.00013; ExAC 0.00021.
gnomAD v4.1: 220 of 1,604,760 alleles (0.014%); highest among the groups gnomAD compares: Non-Finnish European, 0.018%; 1 homozygote.

Submissions (6):

Ambry Genetics
Classification: Uncertain significance for Inborn genetic diseases. Last evaluated: 2025-08-24. Review status: criteria provided, single submitter. Criteria: Ambry Variant Classification Scheme 2023. Collection method: clinical testing. Allele origin: germline.

GeneDx
Classification: Uncertain significance. Last evaluated: 2024-12-03. Review status: criteria provided, single submitter. Criteria: GeneDx Variant Classification Process June 2021. Collection method: clinical testing. Allele origin: germline. Affected: yes.
Comment: Reported in the heterozygous state in a patient with hearing loss in published literature (PMID: 39161163); In silico analysis indicates that this missense variant does not alter protein structure/function; This variant is associated with the following publications: (PMID: 39161163)

Blueprint Genetics
Classification: Uncertain significance. Last evaluated: 2024-11-27. Review status: criteria provided, single submitter. Criteria: ACMG Guidelines, 2015. Collection method: clinical testing. Allele origin: germline.

Labcorp Genetics (formerly Invitae), Labcorp
Classification: Uncertain significance. Last evaluated: 2022-10-23. Review status: criteria provided, single submitter. Criteria: Invitae Variant Classification Sherloc (09022015). Collection method: clinical testing. Allele origin: germline.
Comment: This sequence change replaces serine, which is neutral and polar, with leucine, which is neutral and non-polar, at codon 507 of the CDH23 protein (p.Ser507Leu). This variant is present in population databases (rs201584731, gnomAD 0.03%). This variant has not been reported in the literature in individuals affected with CDH23-related conditions. ClinVar contains an entry for this variant (Variation ID: 45876). Advanced modeling of protein sequence and biophysical properties (such as structural, functional, and spatial information, amino acid conservation, physicochemical variation, residue mobility, and thermodynamic stability) performed at Invitae indicates that this missense variant is not expected to disrupt CDH23 protein function. In summary, the available evidence is currently insufficient to determine the role of this variant in disease. Therefore, it has been classified as a Variant of Uncertain Significance.

Laboratory for Molecular Medicine, Mass General Brigham Personalized Medicine
Classification: Uncertain significance. Last evaluated: 2011-12-07. Review status: criteria provided, single submitter. Criteria: LMM Criteria. Collection method: clinical testing. Allele origin: germline. Observed: 1 variant allele.
Comment: The Ser507Leu variant in CDH23 has not been reported in the literature nor previ ously identified by our laboratory. This residue is conserved across species and computational analyses (biochemical amino acid properties, homology, PolyPhen2, SIFT, AlignGVGD) suggest that the Ser507Leu variant may impact the protein. How ever, this information is not predictive enough to assume pathogenicity. In summ ary, the clinical significance of this variant cannot be determined with certain ty at this time. It should be noted that this lab has only sequenced a limited number of Turkish probands and no Turkish healthy controls. In addition, healthy control information is limited in either public databases or scientific literat ure, such that the full spectrum of benign variation has not yet been defined fo r this population. Future analysis could reveal that the Ser507Leu variant is co mmon in this population and therefore unlikely to be pathogenic.

Natera, Inc.
Classification: Uncertain significance for Usher syndrome type 1. Last evaluated: 2020-01-24. Review status: no assertion criteria provided. Collection method: clinical testing. Allele origin: germline. Not counted in ClinVar's aggregate classification.

NM_022124.6(CDH23):c.1520C>T (p.Ser507Leu)

Gene: CDH23 (cadherin related 23; plus strand). Cytogenetic location: 10q22.1.
Variant type: single nucleotide variant.
Coding change: c.1520C>T on transcript NM_022124.6 (MANE Select); coding-DNA position 1520, C replaced by T.
Protein change: p.Ser507Leu; replaces serine 507 with leucine.
Molecular consequence: missense variant.
Genome position (GRCh38, 1-based): chr10:71,677,461, C>T. VCF-style: chr10-71677461-C-T. GRCh37 (hg19) VCF-style: chr10-73437218-C-T.
Other names: c.1520C>T, p.Ser507Leu (NM_001171930.2, NM_001171931.2); short protein forms S507L.
Identifiers: ClinVar variation 45876 (VCV000045876.13), dbSNP rs201584731, ClinGen allele CA137289.